The following is an entry in ClinVar:

NM_130837.3(OPA1):c.112C>T (p.Arg38Ter)

Gene: OPA1 (OPA1 mitochondrial dynamin like GTPase; plus strand). Cytogenetic location: 3q29.
Variant type: single nucleotide variant.
Coding change: c.112C>T on transcript NM_130837.3 (MANE Select); coding-DNA position 112, C replaced by T.
Protein change: p.Arg38Ter; replaces arginine 38 with a stop codon.
Molecular consequence: nonsense. On other transcripts: 5 prime UTR variant (2).
Genome position (GRCh38, 1-based): chr3:193,614,802, C>T. VCF-style: chr3-193614802-C-T. GRCh37 (hg19) VCF-style: chr3-193332591-C-T.
Other names: c.-261C>T (NM_001354663.2, NM_001354664.2); c.112C>T, p.Arg38Ter (NM_015560.3, NM_130831.3, NM_130832.3 and 4 more transcripts); short protein forms R38*.
Identifiers: ClinVar variation 805095 (VCV000805095.57), dbSNP rs761460379, ClinGen allele CA355786522.

ClinVar aggregate classification (germline): Pathogenic. Review status: criteria provided, multiple submitters, no conflicts (2 of 4 stars). 10 submissions from 10 submitters: Pathogenic (9). 1 of the submissions does not count toward it. Last evaluated 2025-09-17.

Conditions:
OPA1-related disorder. Also called: OPA1-related condition; OPA1-related disorders.
Autosomal dominant optic atrophy classic form (OPA1). Also called: OPTIC ATROPHY, JUVENILE; Optic Atrophy Type 1; KJER-TYPE OPTIC ATROPHY. Identifiers: Orphanet 98673, MedGen C0338508, MONDO:0008134, OMIM 165500.
Optic atrophy. Identifiers: MedGen C0029124, MONDO:0003608, HP:0000648.

Submissions (10):

Labcorp Genetics (formerly Invitae), Labcorp
Classification: Pathogenic. Last evaluated: 2025-09-17. Review status: criteria provided, single submitter. Criteria: Invitae Variant Classification Sherloc (09022015). Collection method: clinical testing. Allele origin: germline.
Comment: This sequence change creates a premature translational stop signal (p.Arg38*) in the OPA1 gene. It is expected to result in an absent or disrupted protein product. Loss-of-function variants in OPA1 are known to be pathogenic (PMID: 11440988, 20157015, 20952381, 25012220). This variant is not present in population databases (gnomAD no frequency). This premature translational stop signal has been observed in individuals with autosomal dominant optic atrophy (PMID: 12036970, 32025183). ClinVar contains an entry for this variant (Variation ID: 805095). For these reasons, this variant has been classified as Pathogenic.

Women's Health and Genetics/Laboratory Corporation of America, LabCorp
Classification: Pathogenic for OPA1-Related Disorders. Last evaluated: 2025-04-08. Review status: criteria provided, single submitter. Criteria: LabCorp Variant Classification Summary - May 2015. Collection method: clinical testing. Allele origin: germline.
Comment: Variant summary: OPA1 c.112C>T (p.Arg38X) results in a premature termination codon, predicted to cause a truncation of the encoded protein or absence of the protein due to nonsense mediated decay, which are commonly known mechanisms for disease. The variant was absent in 248924 control chromosomes. c.112C>T has been reported in the literature in individuals affected with OPA1-Related Disorders (e.g. Votruba_2003). These data indicate that the variant may be associated with disease. To our knowledge, no experimental evidence demonstrating an impact on protein function has been reported. The following publication have been ascertained in the context of this evaluation (PMID: 12488262). ClinVar contains an entry for this variant (Variation ID: 805095). Based on the evidence outlined above, the variant was classified as pathogenic.

PreventionGenetics, part of Exact Sciences
Classification: Pathogenic for OPA1-related condition. Last evaluated: 2024-12-07. Review status: criteria provided, single submitter. Criteria: ACMG Guidelines, 2015. Collection method: clinical testing. Allele origin: germline.
Comment: The OPA1 c.112C>T variant is predicted to result in premature protein termination (p.Arg38*). This variant has been reported in several individuals with autosomal dominant optic atrophy (see examples: Thiselton et al. 2002. PubMed ID: 12036970; Wang et al. 2019. PubMed ID: 32025183; Xu et al. 2021. PubMed ID: 33884488; Chen et al. 2014. PubMed ID: 25205859; Han et al. 2022. PubMed ID: 35883160). This variant has not been reported in a large population database (gnomAD), indicating this variant is rare. Nonsense variants in OPA1 are expected to be pathogenic. This variant is interpreted as pathogenic.

GeneDx
Classification: Pathogenic. Last evaluated: 2024-11-10. Review status: criteria provided, single submitter. Criteria: GeneDx Variant Classification Process June 2021. Collection method: clinical testing. Allele origin: germline.
Comment: Nonsense variant predicted to result in protein truncation or nonsense mediated decay in a gene for which loss of function is a known mechanism of disease; Not observed at significant frequency in large population cohorts (gnomAD); This variant is associated with the following publications: (PMID: 34573359, 25525159, 32025183, 34242285, 32855858, 33884488, 33057194, 37734845, 35982159, 17251483, 12036970, 35883160, 16513463, 25205859, 38219857, 36284460)

MGZ Medical Genetics Center
Classification: Pathogenic for Autosomal dominant optic atrophy classic form. Last evaluated: 2022-06-30. Review status: criteria provided, single submitter. Criteria: ACMG Guidelines, 2015. Collection method: clinical testing. Allele origin: germline. Affected: yes. Observed: 1 variant allele.
Comment: ACMG criteria applied: PVS1, PS4_MOD, PM2_SUP

Athena Diagnostics
Classification: Pathogenic. Last evaluated: 2022-02-09. Review status: criteria provided, single submitter. Criteria: Athena Diagnostics Criteria. Collection method: clinical testing. Allele origin: unknown.
Comment: This variant is expected to result in the loss of a functional protein. This variant has not been reported in large, multi-ethnic general populations. This variant has been identified in at least one individual with clinical features associated with this gene.

Institute of Medical Genetics and Applied Genomics, University Hospital Tübingen
Classification: Pathogenic. Last evaluated: 2021-09-15. Review status: criteria provided, single submitter. Criteria: ACMG Guidelines, 2015. Collection method: clinical testing. Allele origin: germline. Inheritance: Autosomal dominant inheritance. Affected: yes.

CeGaT Center for Human Genetics Tuebingen
Classification: Pathogenic. Last evaluated: 2020-05-01. Review status: criteria provided, single submitter. Criteria: CeGaT Center For Human Genetics Tuebingen Variant Classification Criteria Version 2. Collection method: clinical testing. Allele origin: germline. Affected: yes. Observed: 1 variant allele.

Blueprint Genetics
Classification: Pathogenic for OPA1-related disorders. Last evaluated: 2019-12-10. Review status: criteria provided, single submitter. Criteria: ACMG Guidelines, 2015. Collection method: clinical testing. Allele origin: germline. Affected: yes. Observed: 4 variant alleles.

Institute of Human Genetics, Univ. Regensburg, Univ. Regensburg
Classification: Pathogenic for Optic atrophy. Last evaluated: 2022-01-01. Review status: no assertion criteria provided. Criteria: ACMG Guidelines, 2015. Collection method: clinical testing. Allele origin: germline. Affected: yes. Not counted in ClinVar's aggregate classification.

Literature cited by the submitters: PubMed 11440988 (cited by Labcorp Genetics (formerly Invitae), Labcorp); PubMed 20157015 (cited by Labcorp Genetics (formerly Invitae), Labcorp); PubMed 20952381 (cited by Labcorp Genetics (formerly Invitae), Labcorp); PubMed 25012220 (cited by Labcorp Genetics (formerly Invitae), Labcorp); PubMed 12036970 (cited by Labcorp Genetics (formerly Invitae), Labcorp and Athena Diagnostics); PubMed 32025183 (cited by Labcorp Genetics (formerly Invitae), Labcorp and Athena Diagnostics); PubMed 12488262 (cited by Women's Health and Genetics/Laboratory Corporation of America, LabCorp); PubMed 32855858 (cited by Athena Diagnostics); PubMed 34242285 (cited by Athena Diagnostics); PubMed 33884488 (cited by Athena Diagnostics); PubMed 16513463 (cited by Athena Diagnostics); PubMed 25205859 (cited by Athena Diagnostics); PubMed 17251483 (cited by Athena Diagnostics).